The following is an entry in ClinVar:

ClinVar aggregate classification (germline): Uncertain significance. Review status: criteria provided, single submitter (1 of 4 stars). 2 submissions from 2 submitters: Uncertain significance (1). 1 of the submissions does not count toward it. Last evaluated 2026-08-10.

Conditions:
Inborn genetic diseases. Identifiers: MedGen C0950123, MeSH D030342.
Dyskeratosis congenita. Identifiers: Orphanet 1775, MedGen C0265965, MONDO:0015780.

Submissions (2):

Ambry Genetics
Classification: Uncertain significance for Inborn genetic diseases. Last evaluated: 2026-08-10. Review status: criteria provided, single submitter. Criteria: Ambry Variant Classification Scheme 2023. Collection method: clinical testing. Allele origin: germline.
Comment: The p.R872P variant (also known as c.2615G>C), located in coding exon 27 of the RTEL1 gene, results from a G to C substitution at nucleotide position 2615. The arginine at codon 872 is replaced by proline, an amino acid with dissimilar properties. This amino acid position is conserved. In addition, this alteration is predicted to be tolerated by in silico analysis. Based on the available evidence, the clinical significance of this variant remains unclear.

Natera, Inc.
Classification: Uncertain significance for Dyskeratosis congenita. Last evaluated: 2025-05-22. Review status: no assertion criteria provided. Collection method: clinical testing. Allele origin: germline. Not counted in ClinVar's aggregate classification.

NM_001283009.2(RTEL1):c.2615G>C (p.Arg872Pro)

Genes: RTEL1 (regulator of telomere elongation helicase 1; plus strand), RTEL1-TNFRSF6B (RTEL1-TNFRSF6B readthrough (NMD candidate); plus strand). Cytogenetic location: 20q13.33.
Variant type: single nucleotide variant.
Coding change: c.2615G>C on transcript NM_001283009.2 (MANE Select); coding-DNA position 2615, G replaced by C.
Protein change: p.Arg872Pro; replaces arginine 872 with proline.
Molecular consequence: missense variant. On other transcripts: non-coding transcript variant (1).
Genome position (GRCh38, 1-based): chr20:63,691,800, G>C. VCF-style: chr20-63691800-G-C. GRCh37 (hg19) VCF-style: chr20-62323153-G-C.
Other names: c.1946G>C, p.Arg649Pro (NM_001283010.1); c.2615G>C, p.Arg872Pro (NM_016434.4); c.2687G>C, p.Arg896Pro (NM_032957.5); short protein forms R649P, R872P, R896P.
Identifiers: ClinVar variation 4060899 (VCV004060899.2).